The following is an entry in ClinVar:

NM_000059.4(BRCA2):c.10202C>G (p.Thr3401Arg)

Gene: BRCA2 (BRCA2 DNA repair associated; plus strand). Cytogenetic location: 13q13.1.
Variant type: single nucleotide variant.
Coding change: c.10202C>G on transcript NM_000059.4 (MANE Select); coding-DNA position 10202, C replaced by G.
Protein change: p.Thr3401Arg; replaces threonine 3401 with arginine.
Molecular consequence: missense variant.
Genome position (GRCh38, 1-based): chr13:32,398,715, C>G. VCF-style: chr13-32398715-C-G. GRCh37 (hg19) VCF-style: chr13-32972852-C-G.
Other names: c.10106C>G, p.Thr3369Arg (NM_001406719.1); c.10151C>G, p.Thr3384Arg (NM_001406720.1); c.5270C>G, p.Thr1757Arg (NM_001406721.1); c.3785C>G, p.Thr1262Arg (NM_001406722.1); short protein forms T3384R, T1262R, T3369R, T1757R, T3401R.
Identifiers: ClinVar variation 1757076 (VCV001757076.3), dbSNP rs55853199, ClinGen allele CA387768419.

ClinVar aggregate classification (germline): Uncertain significance. Review status: criteria provided, multiple submitters, no conflicts (2 of 4 stars). 2 submissions from 2 submitters: Uncertain significance (2). Last evaluated 2024-11-25.

Conditions:
Hereditary cancer-predisposing syndrome. Also called: Neoplastic Syndromes, Hereditary; Tumor predisposition; Hereditary Cancer Syndrome; Hereditary neoplastic syndrome. Identifiers: Orphanet 140162, MedGen C0027672, MeSH D009386, MONDO:0015356.

Submissions (2):

Color Diagnostics, LLC DBA Color Health
Classification: Uncertain significance for Hereditary cancer-predisposing syndrome. Last evaluated: 2024-11-25. Review status: criteria provided, single submitter. Criteria: ACMG Guidelines, 2015. Collection method: clinical testing. Allele origin: germline.
Comment: This missense variant replaces threonine with arginine at codon 3401 of the BRCA2 protein. Computational prediction suggests that this variant may not impact protein structure and function. To our knowledge, functional studies have not been reported for this variant. This variant has not been reported in individuals affected with BRCA2-related disorders in the literature. This variant has not been identified in the general population by the Genome Aggregation Database (gnomAD). The available evidence is insufficient to determine the role of this variant in disease conclusively. Therefore, this variant is classified as a Variant of Uncertain Significance.

Ambry Genetics
Classification: Uncertain significance for Hereditary cancer-predisposing syndrome. Last evaluated: 2020-03-12. Review status: criteria provided, single submitter. Criteria: Ambry Variant Classification Scheme 2023. Collection method: clinical testing. Allele origin: germline.
Comment: The p.T3401R variant (also known as c.10202C>G), located in coding exon 26 of the BRCA2 gene, results from a C to G substitution at nucleotide position 10202. The threonine at codon 3401 is replaced by arginine, an amino acid with similar properties. This amino acid position is not well conserved in available vertebrate species. In addition, this alteration is predicted to be tolerated by in silico analysis. Since supporting evidence is limited at this time, the clinical significance of this alteration remains unclear.